The following is an entry in ClinVar:

ClinVar aggregate classification (germline): Uncertain significance (1 of 4 stars; one submission).

Allele frequency attached by ClinVar (database versions not stated): TOPMed below 0.00001; gnomAD 0.00001.
gnomAD v4.1: 1 of 1,614,070 alleles (0.000062%); highest among the groups gnomAD compares: Non-Finnish European, 0.000085%; no homozygotes.

Submission:

Labcorp Genetics (formerly Invitae), Labcorp
Classification: Uncertain significance. Last evaluated: 2021-11-05. Review status: criteria provided, single submitter. Criteria: Invitae Variant Classification Sherloc (09022015). Collection method: clinical testing. Allele origin: germline.
Comment: In summary, the available evidence is currently insufficient to determine the role of this variant in disease. Therefore, it has been classified as a Variant of Uncertain Significance. Variants that disrupt the consensus splice site are a relatively common cause of aberrant splicing (PMID: 17576681, 9536098). Algorithms developed to predict the effect of sequence changes on RNA splicing suggest that this variant may disrupt the consensus splice site. This variant has not been reported in the literature in individuals affected with TSPAN12-related conditions. This variant is not present in population databases (gnomAD no frequency). This sequence change falls in intron 2 of the TSPAN12 gene. It does not directly change the encoded amino acid sequence of the TSPAN12 protein. It affects a nucleotide within the consensus splice site.

Literature cited by the submitters: PubMed 17576681; PubMed 9536098.

NM_012338.4(TSPAN12):c.66+3A>T

Gene: TSPAN12 (tetraspanin 12; minus strand). Cytogenetic location: 7q31.31.
Variant type: single nucleotide variant.
Coding change: c.66+3A>T on transcript NM_012338.4 (MANE Select); 3 bases into the intron after coding-DNA position 66, A replaced by T.
Molecular consequence: intron variant.
Genome position (GRCh38, 1-based): chr7:120,856,695, T>A on the plus strand (A>T on the coding strand, the complement: TSPAN12 is on the minus strand). VCF-style: chr7-120856695-T-A. GRCh37 (hg19) VCF-style: chr7-120496749-T-A.
Identifiers: ClinVar variation 1349638 (VCV001349638.6), dbSNP rs1794876731, ClinGen allele CA1106513882.
Genomic context (GRCh38, chr7:120,856,695, plus strand): 5'-CCGGTGGCTGCAGAAAACCAGAGCCAGCCGTTCCCACCTGTTGGTGCAGTGAAACTTACT[T>A]ACCCAAAAGAGCAGATTGAGGGCGTAGAGCAGGCAGCGCAGACACTTCACGGAATCTTCT-3'